The following is an entry in ClinVar:

ClinVar aggregate classification (germline): Uncertain significance (1 of 4 stars; one submission).

Conditions:
Renal cell carcinoma. Identifiers: Orphanet 217071, MedGen C0007134, MeSH D002292, MONDO:0005086, HP:0005584.

Submission:

Labcorp Genetics (formerly Invitae), Labcorp
Classification: Uncertain significance for Renal cell carcinoma. Last evaluated: 2020-04-19. Review status: criteria provided, single submitter. Criteria: Invitae Variant Classification Sherloc (09022015). Collection method: clinical testing. Allele origin: germline.
Comment: The current clinical and genetic evidence is not sufficient to establish whether loss-of-function variants in MET cause disease. In summary, the available evidence is currently insufficient to determine the role of this variant in disease. Therefore, it has been classified as a Variant of Uncertain Significance. Algorithms developed to predict the effect of sequence changes on RNA splicing suggest that this variant may create or strengthen a splice site, but this prediction has not been confirmed by published transcriptional studies. This sequence change creates a premature translational stop signal (p.Tyr666*) in the MET gene. It is expected to result in an absent or disrupted protein product. This variant is not present in population databases (ExAC no frequency). This variant has not been reported in the literature in individuals with MET-related conditions.

NM_000245.4(MET):c.1998C>A (p.Tyr666Ter)

Gene: MET (MET proto-oncogene, receptor tyrosine kinase; plus strand). Cytogenetic location: 7q31.2.
Variant type: single nucleotide variant.
Coding change: c.1998C>A on transcript NM_000245.4 (MANE Select); coding-DNA position 1998, C replaced by A.
Protein change: p.Tyr666Ter; replaces tyrosine 666 with a stop codon.
Molecular consequence: nonsense.
Genome position (GRCh38, 1-based): chr7:116,757,670, C>A. VCF-style: chr7-116757670-C-A. GRCh37 (hg19) VCF-style: chr7-116397724-C-A.
Other names: c.1998C>A, p.Tyr666Ter (NM_001127500.3, NM_001324401.3); c.708C>A, p.Tyr236Ter (NM_001324402.2); short protein forms Y236*, Y666*.
Identifiers: ClinVar variation 1059033 (VCV001059033.7), dbSNP rs566540058, ClinGen allele CA368979694.